The following is an entry in ClinVar:

ClinVar aggregate classification (germline): Likely benign. Review status: criteria provided, multiple submitters, no conflicts (2 of 4 stars). 2 submissions from 2 submitters: Likely benign (2). Last evaluated 2025-05-28.

Conditions:
Norman-Roberts syndrome (LIS2). Also called: Lissencephaly 2 (Norman-Roberts type). Identifiers: Orphanet 89844, MedGen C0796089, MONDO:0009760, OMIM 257320.
Familial temporal lobe epilepsy 7. Identifiers: Orphanet 101046, MedGen C4225327, MONDO:0014639, OMIM 616436.

Allele frequency attached by ClinVar (database versions not stated): gnomAD exomes below 0.00001; TOPMed below 0.00001.
gnomAD v4.1: 1 of 1,345,434 alleles (0.000074%); highest among the groups gnomAD compares: Non-Finnish European, 0.00011%; no homozygotes.

Submissions (2):

Women's Health and Genetics/Laboratory Corporation of America, LabCorp
Classification: Likely benign. Last evaluated: 2025-05-28. Review status: criteria provided, single submitter. Criteria: LabCorp Variant Classification Summary - May 2015. Collection method: clinical testing. Allele origin: germline.
Comment: Variant summary: RELN c.5530-15T>C alters a non-conserved nucleotide located at a position not widely known to affect splicing. Consensus agreement among computation tools predict no significant impact on normal splicing. However, these predictions have yet to be confirmed by functional studies. The variant allele was found at a frequency of 7.5e-07 in 1339006 control chromosomes in the gnomAD database (v4.1 dataset). The available data on variant occurrences in the general population are insufficient to allow any conclusion about variant significance. To our knowledge, no occurrence of c.5530-15T>C in individuals affected with Epilepsy Familial Temporal Lobe 7 and no experimental evidence demonstrating its impact on protein function have been reported. ClinVar contains an entry for this variant (Variation ID: 2924001). Based on the evidence outlined above, the variant was classified as likely benign.

Labcorp Genetics (formerly Invitae), Labcorp
Classification: Likely benign for Familial temporal lobe epilepsy 7; Norman-Roberts syndrome. Last evaluated: 2025-02-12. Review status: criteria provided, single submitter. Criteria: Invitae Variant Classification Sherloc (09022015). Collection method: clinical testing. Allele origin: germline.

NM_005045.4(RELN):c.5530-15T>C

Gene: RELN (reelin; minus strand). Cytogenetic location: 7q22.1.
Variant type: single nucleotide variant.
Coding change: c.5530-15T>C on transcript NM_005045.4 (MANE Select); 15 bases into the intron before coding-DNA position 5530, T replaced by C.
Molecular consequence: intron variant.
Genome position (GRCh38, 1-based): chr7:103,558,064, A>G on the plus strand (T>C on the coding strand, the complement: RELN is on the minus strand). VCF-style: chr7-103558064-A-G. GRCh37 (hg19) VCF-style: chr7-103198511-A-G.
Other names: c.5530-15T>C (NM_173054.3).
Identifiers: ClinVar variation 2924001 (VCV002924001.4), dbSNP rs890259314, ClinGen allele CA163907854.